The following is an entry in ClinVar:

NM_020461.4(TUBGCP6):c.5454C>T (p.Asp1818=)

Gene: TUBGCP6 (tubulin gamma complex component 6; minus strand). Cytogenetic location: 22q13.33.
Variant type: single nucleotide variant.
Coding change: c.5454C>T on transcript NM_020461.4 (MANE Select); coding-DNA position 5454, C replaced by T.
Protein change: p.Asp1818=; no amino-acid change (aspartic acid 1818 retained).
Molecular consequence: synonymous variant.
Genome position (GRCh38, 1-based): chr22:50,217,742, G>A on the plus strand (C>T on the coding strand, the complement: TUBGCP6 is on the minus strand). VCF-style: chr22-50217742-G-A. GRCh37 (hg19) VCF-style: chr22-50656171-G-A.
Identifiers: ClinVar variation 1124915 (VCV001124915.24), dbSNP rs760396776, ClinGen allele CA10306998.

ClinVar aggregate classification (germline): Likely benign. Review status: criteria provided, multiple submitters, no conflicts (2 of 4 stars). 3 submissions from 3 submitters: Likely benign (3). Last evaluated 2025-02-27.

Allele frequency attached by ClinVar (database versions not stated): gnomAD 0.00002 and 0.00003; TOPMed 0.00002; ExAC 0.00004; gnomAD exomes 0.00005.
gnomAD v4.1: 33 of 1,613,940 alleles (0.002%); highest among the groups gnomAD compares: Admixed American, 0.015%; no homozygotes.

Submissions (3):

Labcorp Genetics (formerly Invitae), Labcorp
Classification: Likely benign. Last evaluated: 2025-02-27. Review status: criteria provided, single submitter. Criteria: Invitae Variant Classification Sherloc (09022015). Collection method: clinical testing. Allele origin: germline.

CeGaT Center for Human Genetics Tuebingen
Classification: Likely benign. Last evaluated: 2024-11-01. Review status: criteria provided, single submitter. Criteria: CeGaT Center For Human Genetics Tuebingen Variant Classification Criteria Version 2. Collection method: clinical testing. Allele origin: germline. Affected: yes. Observed: 1 variant allele.
Comment: TUBGCP6: BP4, BP7

Blueprint Genetics
Classification: Likely benign. Last evaluated: 2024-10-14. Review status: criteria provided, single submitter. Criteria: ACMG Guidelines, 2015. Collection method: clinical testing. Allele origin: germline.